The following is an entry in ClinVar:

ClinVar aggregate classification (germline): Uncertain significance (1 of 4 stars; one submission).

Conditions:
Fanconi anemia (FA). Also called: Fanconi's anemia. Identifiers: Orphanet 84, MedGen C0015625, MeSH D005199, MONDO:0019391.

Submission:

Labcorp Genetics (formerly Invitae), Labcorp
Classification: Uncertain significance for Fanconi anemia. Last evaluated: 2022-04-10. Review status: criteria provided, single submitter. Criteria: Invitae Variant Classification Sherloc (09022015). Collection method: clinical testing. Allele origin: germline.
Comment: In summary, the available evidence is currently insufficient to determine the role of this variant in disease. Therefore, it has been classified as a Variant of Uncertain Significance. This sequence change replaces glutamic acid, which is acidic and polar, with glutamine, which is neutral and polar, at codon 252 of the FANCI protein (p.Glu252Gln). Algorithms developed to predict the effect of missense changes on protein structure and function (SIFT, PolyPhen-2, Align-GVGD) all suggest that this variant is likely to be tolerated. This variant has not been reported in the literature in individuals affected with FANCI-related conditions. This variant is not present in population databases (gnomAD no frequency).

NM_001113378.2(FANCI):c.754G>C (p.Glu252Gln)

Gene: FANCI (FA complementation group I; plus strand). Cytogenetic location: 15q26.1.
Variant type: single nucleotide variant.
Coding change: c.754G>C on transcript NM_001113378.2 (MANE Select); coding-DNA position 754, G replaced by C.
Protein change: p.Glu252Gln; replaces glutamic acid 252 with glutamine.
Molecular consequence: missense variant.
Genome position (GRCh38, 1-based): chr15:89,264,606, G>C. VCF-style: chr15-89264606-G-C. GRCh37 (hg19) VCF-style: chr15-89807837-G-C.
Other names: c.475G>C, p.Glu159Gln (NM_001376910.1); c.754G>C, p.Glu252Gln (NM_001376911.1, NM_018193.3); short protein forms E159Q, E252Q.
Identifiers: ClinVar variation 2169243 (VCV002169243.4), dbSNP rs776911782, ClinGen allele CA393739663.
Genomic context (GRCh38, chr15:89,264,606, plus strand): 5'-GGAATCATAGCCTTCTTCAGTGCACTAGATAAGCAGCACAATGAGGAACAGAGTGGTGAC[G>C]AGTGAGTAATATAGTGTAGAAATAAAGATCATTTTTACAAATTCATCTTCTCATTGTGTA-3'
Protein context (NP_001106849.1, residues 242-262): KQHNEEQSGD[Glu252Gln]LLDVVTVPSG